The following is an entry in ClinVar:

ClinVar aggregate classification (germline): not provided. Review status: no classification provided (0 of 4 stars). 2 submissions from 1 submitter: not provided (2).

Conditions:
Normal pregnancy. Identifiers: MedGen C0232989.
Gestational diabetes mellitus uncontrolled. Identifiers: MedGen C3532257.

Submissions (2):

Institute of Molecular and Cell Biology, University of Tartu
No classification provided. Condition: Gestational diabetes mellitus uncontrolled. Review status: no classification provided. Collection method: case-control. Allele origin: unknown. Affected: yes. Study: Kasak2014.
Comment: The study aimed to determine the contribution of copy number variants in the genetic etiology of normal and complicated pregnancies. The samples represented (i) maternal blood DNA drawn from healthy pregnant women during 1st or 2nd trimester and (ii) maternal and paternal blood DNA drawn at term pregnancy cases representing normal and complicated gestations (severe preeclampsia, PE; gestational diabetes, GD; small-for-gestational age newborn, SGA; large-for-gestational age newborn, LGA). We performed CNV calling based on genome-wide genotyping dataset (Illumina HumanOmniExpress-24-v1 BeadChip) by applying three algorithms, QuantiSNP, GADA (Genome Alteration Detection Algorithm) and CNstream in parallel. The acquired CNV calls were merged with HD-CNV (Hotspot Detector for Copy Number Variants) program and only the CNVs predicted by at least two programs, were considered in subsequent analysis.

Institute of Molecular and Cell Biology, University of Tartu
No classification provided. Condition: Normal pregnancy. Review status: no classification provided. Collection method: case-control. Allele origin: unknown. Affected: yes. Study: Kasak2014.
Comment: the same text as in the submission from Institute of Molecular and Cell Biology, University of Tartu above.

Literature cited by the submitters: PubMed 25666259.

Single allele

Gene: EPHA3 (EPH receptor A3; plus strand). Cytogenetic location: 3p11.1.
Variant type: Deletion.
Identifiers: ClinVar variation 156874 (VCV000156874.2).